The following is an entry in ClinVar:

ClinVar aggregate classification (germline): Uncertain significance (1 of 4 stars; one submission).

Conditions:
Brachyolmia-amelogenesis imperfecta syndrome. Also called: PLATYSPONDYLY WITH AMELOGENESIS IMPERFECTA; Tooth agenesis, selective, 6; Dental anomalies and short stature. Identifiers: Orphanet 2899, MedGen C1832594, MONDO:0011018, OMIM 601216. Disease mechanism: loss of function.

Submission:

Labcorp Genetics (formerly Invitae), Labcorp
Classification: Uncertain significance for Brachyolmia-amelogenesis imperfecta syndrome. Last evaluated: 2022-03-29. Review status: criteria provided, single submitter. Criteria: Invitae Variant Classification Sherloc (09022015). Collection method: clinical testing. Allele origin: germline.
Comment: In summary, the available evidence is currently insufficient to determine the role of this variant in disease. Therefore, it has been classified as a Variant of Uncertain Significance. Variants that disrupt the consensus splice site are a relatively common cause of aberrant splicing (PMID: 17576681, 9536098). Algorithms developed to predict the effect of sequence changes on RNA splicing suggest that this variant is not likely to affect RNA splicing. This variant has not been reported in the literature in individuals affected with LTBP3-related conditions. This variant is not present in population databases (gnomAD no frequency). This sequence change falls in intron 4 of the LTBP3 gene. It does not directly change the encoded amino acid sequence of the LTBP3 protein. It affects a nucleotide within the consensus splice site.

Literature cited by the submitters: PubMed 17576681; PubMed 9536098.

NM_001130144.3(LTBP3):c.970+3G>A

Gene: LTBP3 (latent transforming growth factor beta binding protein 3; minus strand). Cytogenetic location: 11q13.1.
Variant type: single nucleotide variant.
Coding change: c.970+3G>A on transcript NM_001130144.3 (MANE Select); 3 bases into the intron after coding-DNA position 970, G replaced by A.
Molecular consequence: intron variant.
Genome position (GRCh38, 1-based): chr11:65,553,422, C>T on the plus strand (G>A on the coding strand, the complement: LTBP3 is on the minus strand). VCF-style: chr11-65553422-C-T. GRCh37 (hg19) VCF-style: chr11-65320893-C-T.
Other names: c.619+3G>A (NM_001164266.1); c.970+3G>A (NM_021070.4).
Identifiers: ClinVar variation 1467980 (VCV001467980.6), dbSNP rs2135157236, ClinGen allele CA2573147478.